The following is an entry in ClinVar:

NM_017763.6(RNF43):c.829G>A (p.Glu277Lys)

Gene: RNF43 (ring finger protein 43; minus strand). Cytogenetic location: 17q22.
Variant type: single nucleotide variant.
Coding change: c.829G>A on transcript NM_017763.6 (MANE Select); coding-DNA position 829, G replaced by A.
Protein change: p.Glu277Lys; replaces glutamic acid 277 with lysine.
Molecular consequence: missense variant.
Genome position (GRCh38, 1-based): chr17:58,360,803, C>T on the plus strand (G>A on the coding strand, the complement: RNF43 is on the minus strand). VCF-style: chr17-58360803-C-T. GRCh37 (hg19) VCF-style: chr17-56438164-C-T.
Other names: c.829G>A, p.Glu277Lys (NM_001305544.3, NM_001438820.1, NM_001438821.1 and 1 more transcripts); c.448G>A, p.Glu150Lys (NM_001305545.2, NM_001437987.1); short protein forms E277K, E150K.
Identifiers: ClinVar variation 4578946 (VCV004578946.1).
Genomic context (GRCh38, chr17:58,360,803, plus strand): 5'-CCAGTCTGGTCATGGAGGTGAACCACAAGACCTGCCTTACCTGCCCCTCAGAGAACTCCT[C>T]CAGACAGATGGCACACACAGGGGCTGAGCTGCAGCTGCTCCCTGAGTCTGGCCACTCACC-3'
Protein context (NP_060233.3, residues 267-287): SSAPVCAICL[Glu277Lys]EFSEGQELRV

ClinVar aggregate classification (germline): Uncertain significance (1 of 4 stars; one submission).

gnomAD v4.1: 1 of 1,612,572 alleles (0.000062%); highest among the groups gnomAD compares: Non-Finnish European, 0.000085%; no homozygotes.

Submission:

Ambry Genetics
Classification: Uncertain significance. Last evaluated: 2025-09-16. Review status: criteria provided, single submitter. Criteria: Ambry Variant Classification Scheme 2023. Collection method: clinical testing. Allele origin: germline.
Comment: The p.E277K variant (also known as c.829G>A), located in coding exon 6 of the RNF43 gene, results from a G to A substitution at nucleotide position 829. The glutamic acid at codon 277 is replaced by lysine, an amino acid with similar properties. This amino acid position is highly conserved in available vertebrate species. In addition, the in silico prediction for this alteration is inconclusive. The evidence for this gene-disease relationship is limited; therefore, the clinical significance of this alteration is unclear.